The following is an entry in ClinVar:

NM_000256.3(MYBPC3):c.1070G>A (p.Arg357His)

Gene: MYBPC3 (myosin binding protein C3; minus strand). Cytogenetic location: 11p11.2.
Variant type: single nucleotide variant.
Coding change: c.1070G>A on transcript NM_000256.3 (MANE Select); coding-DNA position 1070, G replaced by A.
Protein change: p.Arg357His; replaces arginine 357 with histidine.
Molecular consequence: missense variant.
Genome position (GRCh38, 1-based): chr11:47,346,227, C>T on the plus strand (G>A on the coding strand, the complement: MYBPC3 is on the minus strand). VCF-style: chr11-47346227-C-T. GRCh37 (hg19) VCF-style: chr11-47367778-C-T.
Other names: p.R357H:CGC>CAC; c.1070G>A, p.Arg357His (LRG_386t1); short protein forms R357H.
Identifiers: ClinVar variation 181145 (VCV000181145.23), dbSNP rs199741162, ClinGen allele CA009737.

ClinVar aggregate classification (germline): Conflicting classifications of pathogenicity. Review status: criteria provided, conflicting classifications (1 of 4 stars). 8 submissions from 8 submitters: Uncertain significance (5); Likely benign (3). Last evaluated 2026-06-16.

Conditions:
MYBPC3-related disorder. Also called: MYBPC3-related disorders; MYBPC3-related condition; MYBPC3-related disease.
Cardiovascular phenotype. Identifiers: MedGen CN230736.
Cardiomyopathy (CMYO). Also called: Cardiomyopathies. Identifiers: Orphanet 167848, MedGen C0878544, MONDO:0004994, HP:0001638. Inheritance: Various modes of inheritance.
Hypertrophic cardiomyopathy. Also called: HYPERTROPHIC MYOCARDIOPATHY. Identifiers: Orphanet 217569, MedGen C0007194, MeSH D002312, MONDO:0005045, HP:0001639.

Allele frequency attached by ClinVar (database versions not stated): gnomAD 0.00001 and 0.00002; gnomAD exomes 0.00001; TOPMed 0.00001; ExAC 0.00002.
gnomAD v4.1: 19 of 1,613,814 alleles (0.0012%); highest among the groups gnomAD compares: Middle Eastern, 0.016%; no homozygotes.

Submissions (8):

PreventionGenetics, part of Exact Sciences
Classification: Uncertain significance for MYBPC3-related condition. Last evaluated: 2026-06-16. Review status: criteria provided, single submitter. Criteria: ACMG Guidelines, 2015. Collection method: clinical testing. Allele origin: germline.
Comment: The MYBPC3 c.1070G>A variant is predicted to result in the amino acid substitution p.Arg357His. To our knowledge, this variant has not been reported in individuals with MYBPC3-related disorders in the literature. This variant is reported in 0.0028% of alleles in individuals of Latino descent in gnomAD. At this time, the clinical significance of this variant is uncertain due to the absence of conclusive functional and genetic evidence.

Color Diagnostics, LLC DBA Color Health
Classification: Likely benign for Cardiomyopathy. Last evaluated: 2025-06-04. Review status: criteria provided, single submitter. Criteria: ACMG Guidelines, 2015. Collection method: clinical testing. Allele origin: germline.

Ambry Genetics
Classification: Likely benign for Cardiovascular phenotype. Last evaluated: 2025-01-11. Review status: criteria provided, single submitter. Criteria: Ambry Variant Classification Scheme 2023. Collection method: clinical testing. Allele origin: germline.

GeneDx
Classification: Uncertain significance. Last evaluated: 2024-12-17. Review status: criteria provided, single submitter. Criteria: GeneDx Variant Classification Process June 2021. Collection method: clinical testing. Allele origin: germline. Affected: yes.
Comment: Has been reported in association with cardiomyopathy (PMID: 23861362); Not observed at significant frequency in large population cohorts (gnomAD); In silico analysis indicates that this missense variant does not alter protein structure/function; This variant is associated with the following publications: (PMID: 23861362)

Labcorp Genetics (formerly Invitae), Labcorp
Classification: Uncertain significance for Hypertrophic cardiomyopathy. Last evaluated: 2024-10-13. Review status: criteria provided, single submitter. Criteria: Invitae Variant Classification Sherloc (09022015). Collection method: clinical testing. Allele origin: germline.
Comment: This sequence change replaces arginine, which is basic and polar, with histidine, which is basic and polar, at codon 357 of the MYBPC3 protein (p.Arg357His). The frequency data for this variant in the population databases is considered unreliable, as metrics indicate poor data quality at this position in the gnomAD database. This variant has not been reported in the literature in individuals affected with MYBPC3-related conditions. ClinVar contains an entry for this variant (Variation ID: 181145). An algorithm developed to predict the effect of missense changes on protein structure and function outputs the following: PolyPhen-2: "Benign". The histidine amino acid residue is found in multiple mammalian species, which suggests that this missense change does not adversely affect protein function. In summary, the available evidence is currently insufficient to determine the role of this variant in disease. Therefore, it has been classified as a Variant of Uncertain Significance.

All of Us Research Program, National Institutes of Health
Classification: Uncertain significance for Hypertrophic cardiomyopathy. Last evaluated: 2023-05-04. Review status: criteria provided, single submitter. Criteria: ACMG Guidelines, 2015. Collection method: clinical testing. Allele origin: germline. Inheritance: Autosomal dominant inheritance. Observed: 2 variant alleles, 2 heterozygotes.
Comment: This missense variant replaces arginine with histidine at codon 357 of the MYBPC3 protein. Computational prediction suggests that this variant may not impact protein structure and function (internally defined REVEL score threshold <= 0.5, PMID: 27666373). To our knowledge, functional studies have not been reported for this variant. This variant has not been reported in individuals affected with cardiovascular disorders in the literature. This variant has been identified in 3/280354 chromosomes in the general population by the Genome Aggregation Database (gnomAD). The available evidence is insufficient to determine the role of this variant in disease conclusively. Therefore, this variant is classified as a Variant of Uncertain Significance.

This study involves interpretation of variants in research participants for the purpose of population health screening. Participant phenotype was not available at the time of variant classification. Additional details can be found in publication PMID: 35346344, PMCID: PMC8962531

CHEO Genetics Diagnostic Laboratory, Children's Hospital of Eastern Ontario
Classification: Uncertain significance for Cardiomyopathy. Last evaluated: 2022-02-25. Review status: criteria provided, single submitter. Criteria: ACMG Guidelines, 2015. Collection method: clinical testing. Allele origin: germline.

Biesecker Lab/Clinical Genomics Section, National Institutes of Health
Classification: Likely benign. Last evaluated: 2013-06-24. Review status: criteria provided, single submitter. Criteria: Ng et al. (Circ Cardiovasc Genet. 2013). Collection method: research. Allele origin: unknown. Observed: 2 variant alleles. Study: ClinSeq.
Comment: The study set was not selected for affection status in relation to any cancer. Pathogenicity categories were based on literature curation. See Pubmed ID:23861362 for details.

Medical sequencing

Literature cited by the submitters: PubMed 23861362 (cited by Ambry Genetics).